The following is an entry in ClinVar:

NM_024580.6(EFL1):c.425T>A (p.Val142Asp)

Gene: EFL1 (elongation factor like GTPase 1; minus strand). Cytogenetic location: 15q25.2.
Variant type: single nucleotide variant.
Coding change: c.425T>A on transcript NM_024580.6 (MANE Select); coding-DNA position 425, T replaced by A.
Protein change: p.Val142Asp; replaces valine 142 with aspartic acid.
Molecular consequence: missense variant. On other transcripts: 5 prime UTR variant (1), non-coding transcript variant (1).
Genome position (GRCh38, 1-based): chr15:82,240,509, A>T on the plus strand (T>A on the coding strand, the complement: EFL1 is on the minus strand). VCF-style: chr15-82240509-A-T. GRCh37 (hg19) VCF-style: chr15-82532850-A-T.
Other names: c.272T>A, p.Val91Asp (NM_001040610.3); c.-365T>A (NM_001322844.2); c.425T>A, p.Val142Asp (NM_001322845.2); short protein forms V142D, V91D.
Identifiers: ClinVar variation 2873460 (VCV002873460.3), dbSNP rs1596004346, ClinGen allele CA393281879.
Genomic context (GRCh38, chr15:82,240,509, plus strand): 5'-GCCTCTTGTGGGGTGAATTTCAGTTCCACTATCAAGCGATCAATCTTATTAATCACTAAA[A>T]CCGGACGGATGTTTTCAAGCCAAGCTTGTCGCAGAACTGCCTGTGTCTGATAAAAACAGA-3'
Protein context (NP_078856.4, residues 132-152): RQAWLENIRP[Val142Asp]LVINKIDRLI

ClinVar aggregate classification (germline): Uncertain significance (1 of 4 stars; one submission).

Submission:

Labcorp Genetics (formerly Invitae), Labcorp
Classification: Uncertain significance. Last evaluated: 2023-01-01. Review status: criteria provided, single submitter. Criteria: Invitae Variant Classification Sherloc (09022015). Collection method: clinical testing. Allele origin: germline.
Comment: This sequence change replaces valine, which is neutral and non-polar, with aspartic acid, which is acidic and polar, at codon 142 of the EFL1 protein (p.Val142Asp). This variant is not present in population databases (gnomAD no frequency). This variant has not been reported in the literature in individuals affected with EFL1-related conditions. Advanced modeling of protein sequence and biophysical properties (such as structural, functional, and spatial information, amino acid conservation, physicochemical variation, residue mobility, and thermodynamic stability) performed at Invitae indicates that this missense variant is expected to disrupt EFL1 protein function. In summary, the available evidence is currently insufficient to determine the role of this variant in disease. Therefore, it has been classified as a Variant of Uncertain Significance.